The following is an entry in ClinVar:

ClinVar aggregate classification (germline): Conflicting classifications of pathogenicity. Review status: criteria provided, conflicting classifications (1 of 4 stars). 9 submissions from 9 submitters: Uncertain significance (1); Likely benign (8). Last evaluated 2026-07-01.

Conditions:
TTN-related disorder. Also called: TTN-related disorders; TTN-related condition; TTN-related disease.
Cardiovascular phenotype. Identifiers: MedGen CN230736.
Autosomal recessive limb-girdle muscular dystrophy type 2J (LGMDR10). Also called: Limb-girdle muscular dystrophy, type 2J; MUSCULAR DYSTROPHY, LIMB-GIRDLE, AUTOSOMAL RECESSIVE 10. Identifiers: Orphanet 140922, MedGen C1837342, MONDO:0012127, OMIM 608807.
Dilated cardiomyopathy 1G (CMD1G). Identifiers: Orphanet 154, MedGen C1858763, MONDO:0011400, OMIM 604145.
Cardiomyopathy (CMYO). Also called: Cardiomyopathies. Identifiers: Orphanet 167848, MedGen C0878544, MONDO:0004994, HP:0001638. Inheritance: Various modes of inheritance.

Allele frequency attached by ClinVar (database versions not stated): gnomAD 0.00002 and 0.00003; ExAC 0.00003; gnomAD exomes 0.00003 and 0.00006; TOPMed 0.00003; 1000 Genomes Project 30x 0.00016; 1000 Genomes Project 0.00020.
gnomAD v4.1: 62 of 1,613,792 alleles (0.0038%); highest among the groups gnomAD compares: Middle Eastern, 0.033%; no homozygotes.

Submissions (9):

CeGaT Center for Human Genetics Tuebingen
Classification: Likely benign. Last evaluated: 2026-07-01. Review status: criteria provided, single submitter. Criteria: CeGaT Center For Human Genetics Tuebingen Variant Classification Criteria Version 2. Collection method: clinical testing. Allele origin: germline. Affected: yes. Observed: 2 variant alleles.
Comment: TTN: BP4, BP7

Labcorp Genetics (formerly Invitae), Labcorp
Classification: Likely benign for Dilated cardiomyopathy 1G; Autosomal recessive limb-girdle muscular dystrophy type 2J. Last evaluated: 2026-01-05. Review status: criteria provided, single submitter. Criteria: Invitae Variant Classification Sherloc (09022015). Collection method: clinical testing. Allele origin: germline.

PreventionGenetics, part of Exact Sciences
Classification: Likely benign for TTN-related condition. Last evaluated: 2025-11-18. Review status: criteria provided, single submitter. Criteria: ACMG Guidelines, 2015. Collection method: clinical testing. Allele origin: germline.
Comment: This variant is classified as likely benign based on ACMG/AMP sequence variant interpretation guidelines (Richards et al. 2015 PMID: 25741868, with internal and published modifications).

Molecular Diagnostic Laboratory for Inherited Cardiovascular Disease, Montreal Heart Institute
Classification: Likely benign. Last evaluated: 2025-07-24. Review status: criteria provided, single submitter. Criteria: ACMG Guidelines, 2015. Collection method: clinical testing. Allele origin: germline. Affected: no.
Comment: BP7

Blueprint Genetics
Classification: Likely benign. Last evaluated: 2024-04-16. Review status: criteria provided, single submitter. Criteria: ACMG Guidelines, 2015. Collection method: clinical testing. Allele origin: germline.

GeneDx
Classification: Likely benign. Last evaluated: 2020-11-05. Review status: criteria provided, single submitter. Criteria: GeneDx Variant Classification Process June 2021. Collection method: clinical testing. Allele origin: germline. Affected: yes.

Ambry Genetics
Classification: Likely benign for Cardiovascular phenotype. Last evaluated: 2019-05-02. Review status: criteria provided, single submitter. Criteria: Ambry Variant Classification Scheme 2023. Collection method: clinical testing. Allele origin: germline.

CHEO Genetics Diagnostic Laboratory, Children's Hospital of Eastern Ontario
Classification: Uncertain significance for Cardiomyopathy. Last evaluated: 2016-05-13. Review status: criteria provided, single submitter. Criteria: ACMG Guidelines, 2015. Collection method: clinical testing. Allele origin: germline. Study: Canadian Open Genetics Repository.

Laboratory for Molecular Medicine, Mass General Brigham Personalized Medicine
Classification: Likely benign. Last evaluated: 2014-08-13. Review status: criteria provided, single submitter. Criteria: LMM Criteria. Collection method: clinical testing. Allele origin: germline. Observed: 1 variant allele.
Comment: Gln4356Gln in exon 45B of TTN: This variant is not expected to have clinical sig nificance because it does not alter an amino acid residue and is not located wit hin the splice consensus sequence. It has been identified in 1/120 Colombian chr omosomes and 1/176 Nigerian chromosomes by the 1000 Genomes Project (dbSNP rs188 071134).

NM_001267550.2(TTN):c.13782G>A (p.Gln4594=)

Gene: TTN (titin; minus strand). Cytogenetic location: 2q31.2.
Variant type: single nucleotide variant.
Coding change: c.13782G>A on transcript NM_001267550.2 (MANE Select); coding-DNA position 13782, G replaced by A.
Protein change: p.Gln4594=; no amino-acid change (glutamine 4594 retained).
Molecular consequence: synonymous variant. On other transcripts: intron variant (1).
Genome position (GRCh38, 1-based): chr2:178,739,451, C>T on the plus strand (G>A on the coding strand, the complement: TTN is on the minus strand). VCF-style: chr2-178739451-C-T. GRCh37 (hg19) VCF-style: chr2-179604178-C-T.
Other names: c.12693G>A, p.Gln4231= (NM_003319.4); c.13269G>A, p.Gln4423= (NM_133437.4); c.10361-1091G>A (NM_133378.4); c.12831G>A, p.Gln4277= (NM_001256850.1); c.13068G>A, p.Gln4356= (NM_133432.3).
Identifiers: ClinVar variation 166230 (VCV000166230.50), dbSNP rs188071134, ClinGen allele CA179010.